The following is an entry in ClinVar:

ClinVar aggregate classification (germline): Uncertain significance (1 of 4 stars; one submission).

Conditions:
Oligodontia-cancer predisposition syndrome. Also called: TOOTH AGENESIS-COLORECTAL CANCER SYNDROME. Identifiers: Orphanet 300576, MedGen C1837750, MONDO:0012075, OMIM 608615. Disease mechanism: loss of function.

Submission:

Labcorp Genetics (formerly Invitae), Labcorp
Classification: Uncertain significance for Oligodontia-cancer predisposition syndrome. Last evaluated: 2018-10-03. Review status: criteria provided, single submitter. Criteria: Invitae Variant Classification Sherloc (09022015). Collection method: clinical testing. Allele origin: germline.
Comment: Algorithms developed to predict the effect of missense changes on protein structure and function are either unavailable or do not agree on the potential impact of this missense change (SIFT: "Deleterious"; PolyPhen-2: "Benign"; Align-GVGD: "C0"). In summary, the available evidence is currently insufficient to determine the role of this variant in disease. Therefore, it has been classified as a Variant of Uncertain Significance. This variant has not been reported in the literature in individuals with AXIN2-related disease. This variant is not present in population databases (ExAC no frequency). This sequence change replaces threonine with lysine at codon 254 of the AXIN2 protein (p.Thr254Lys). The threonine residue is moderately conserved and there is a moderate physicochemical difference between threonine and lysine.

NM_004655.4(AXIN2):c.761_762delinsAA (p.Thr254Lys)

Gene: AXIN2 (axin 2; minus strand). Cytogenetic location: 17q24.1.
Variant type: Indel.
Coding change: c.761_762delinsAA on transcript NM_004655.4 (MANE Select); coding-DNA positions 761 to 762, CT replaced by AA.
Protein change: p.Thr254Lys; replaces threonine 254 with lysine.
Molecular consequence: missense variant.
Genome position (GRCh38, 1-based): chr17:65,557,859-65,557,860, AG replaced by TT on the plus strand (CT replaced by AA on the coding strand, the reverse complement: AXIN2 is on the minus strand). VCF-style: chr17-65557859-AG-TT. GRCh37 (hg19) VCF-style: chr17-63553977-AG-TT.
Other names: c.761_762delinsAA (LRG_296t1); c.761_762delinsAA, p.Thr254Lys (NM_001363813.1); short protein forms T254K.
Identifiers: ClinVar variation 663021 (VCV000663021.7), dbSNP rs1598118966, ClinGen allele CA915952182.
Genomic context (GRCh38, chr17:65,557,859, plus strand): 5'-GTCTTACCTGTATCCACTGTCAACAGTTTCCGTGGACCTCACACTCGCCGTGGCCCTCAG[AG>TT]TTTTGCTGGACAAGCCAACCACGGTTGGCGAAAGTTTGCACTTGAAGTCGGCACAAGTCC-3'
Protein context (NP_004646.3, residues 244-264): SPTVVGLSSK[Thr254Lys]LRATASVRST